The following is an entry in ClinVar:

ClinVar aggregate classification (germline): Uncertain significance (1 of 4 stars; one submission).

Conditions:
Hereditary cancer-predisposing syndrome. Also called: Tumor predisposition; Neoplastic Syndromes, Hereditary; Hereditary neoplastic syndrome; Hereditary Cancer Syndrome. Identifiers: Orphanet 140162, MedGen C0027672, MeSH D009386, MONDO:0015356.

Submission:

Ambry Genetics
Classification: Uncertain significance for Hereditary cancer-predisposing syndrome. Last evaluated: 2024-09-08. Review status: criteria provided, single submitter. Criteria: Ambry Variant Classification Scheme 2023. Collection method: clinical testing. Allele origin: germline.
Comment: The p.I84V variant (also known as c.250A>G), located in coding exon 2 of the SUFU gene, results from an A to G substitution at nucleotide position 250. The isoleucine at codon 84 is replaced by valine, an amino acid with highly similar properties. This amino acid position is conserved. In addition, this alteration is predicted to be tolerated by in silico analysis. Based on the available evidence, the clinical significance of this variant remains unclear.

NM_016169.4(SUFU):c.250A>G (p.Ile84Val)

Gene: SUFU (SUFU negative regulator of hedgehog signaling; plus strand). Cytogenetic location: 10q24.32.
Variant type: single nucleotide variant.
Coding change: c.250A>G on transcript NM_016169.4 (MANE Select); coding-DNA position 250, A replaced by G.
Protein change: p.Ile84Val; replaces isoleucine 84 with valine.
Molecular consequence: missense variant.
Genome position (GRCh38, 1-based): chr10:102,509,236, A>G. VCF-style: chr10-102509236-A-G. GRCh37 (hg19) VCF-style: chr10-104268993-A-G.
Other names: c.250A>G, p.Ile84Val (NM_001178133.2); short protein forms I84V.
Identifiers: ClinVar variation 3451132 (VCV003451132.1).